The following is an entry in ClinVar:

ClinVar aggregate classification (germline): Uncertain significance (1 of 4 stars; one submission).

Submission:

GeneDx
Classification: Uncertain significance. Last evaluated: 2024-06-21. Review status: criteria provided, single submitter. Criteria: GeneDx Variant Classification Process June 2021. Collection method: clinical testing. Allele origin: germline. Affected: yes.
Comment: Not observed at significant frequency in large population cohorts (gnomAD); In silico analysis indicates that this missense variant does not alter protein structure/function; Has not been previously published as pathogenic or benign to our knowledge

NM_031407.7(HUWE1):c.7502G>A (p.Ser2501Asn)

Genes: HUWE1 (HECT, UBA and WWE domain containing E3 ubiquitin protein ligase 1; minus strand), LOC126863262 (MED14-independent group 3 enhancer GRCh37_chrX:53588722-53589921; plus strand). Cytogenetic location: Xp11.22.
Variant type: single nucleotide variant.
Coding change: c.7502G>A on transcript NM_031407.7 (MANE Select); coding-DNA position 7502, G replaced by A.
Protein change: p.Ser2501Asn; replaces serine 2501 with asparagine.
Molecular consequence: missense variant.
Genome position (GRCh38, 1-based): chrX:53,561,761, C>T on the plus strand (G>A on the coding strand, the complement: HUWE1 is on the minus strand). VCF-style: chrX-53561761-C-T. GRCh37 (hg19) VCF-style: chrX-53588722-C-T.
Other names: short protein forms S2501N.
Identifiers: ClinVar variation 3391571 (VCV003391571.1).
Genomic context (GRCh38, chrX:53,561,761, plus strand): 5'-AGAGAAGGGTATAAGAATCAAGAGAGAAAAACCCAGCTGAGCCCCTGTATCTTACTAGCA[C>T]TGGAGAACATGTTGTCAAACTCAATGATGAGATCATCCTCCCGGTCAAAGCGCTCAAATC-3'
Protein context (NP_113584.3, residues 2491-2511): LIIEFDNMFS[Ser2501Asn]ATDIPPSPGN